The following is an entry in ClinVar:

NM_033026.6(PCLO):c.3202A>G (p.Ile1068Val)

Gene: PCLO (piccolo presynaptic cytomatrix protein; minus strand). Cytogenetic location: 7q21.11.
Variant type: single nucleotide variant.
Coding change: c.3202A>G on transcript NM_033026.6 (MANE Select); coding-DNA position 3202, A replaced by G.
Protein change: p.Ile1068Val; replaces isoleucine 1068 with valine.
Molecular consequence: missense variant.
Genome position (GRCh38, 1-based): chr7:83,134,348, T>C on the plus strand (A>G on the coding strand, the complement: PCLO is on the minus strand). VCF-style: chr7-83134348-T-C. GRCh37 (hg19) VCF-style: chr7-82763664-T-C.
Other names: c.3202A>G, p.Ile1068Val (NM_014510.3); short protein forms I1068V.
Identifiers: ClinVar variation 2096585 (VCV002096585.4), dbSNP rs1420714369, ClinGen allele CA367897074.

ClinVar aggregate classification (germline): Uncertain significance (1 of 4 stars; one submission).

Allele frequency attached by ClinVar (database versions not stated): TOPMed below 0.00001; gnomAD 0.00001.
gnomAD v4.1: 1 of 1,612,680 alleles (0.000062%); highest among the groups gnomAD compares: Non-Finnish European, 0.000085%; no homozygotes.

Submission:

Labcorp Genetics (formerly Invitae), Labcorp
Classification: Uncertain significance. Last evaluated: 2023-11-28. Review status: criteria provided, single submitter. Criteria: Invitae Variant Classification Sherloc (09022015). Collection method: clinical testing. Allele origin: germline.
Comment: This sequence change replaces isoleucine, which is neutral and non-polar, with valine, which is neutral and non-polar, at codon 1068 of the PCLO protein (p.Ile1068Val). This variant is not present in population databases (gnomAD no frequency). This variant has not been reported in the literature in individuals affected with PCLO-related conditions. ClinVar contains an entry for this variant (Variation ID: 2096585). Algorithms developed to predict the effect of missense changes on protein structure and function output the following: SIFT: "Not Available"; PolyPhen-2: "Not Available"; Align-GVGD: "Not Available". The valine amino acid residue is found in multiple mammalian species, which suggests that this missense change does not adversely affect protein function. In summary, the available evidence is currently insufficient to determine the role of this variant in disease. Therefore, it has been classified as a Variant of Uncertain Significance.